The following is an entry in ClinVar:

ClinVar aggregate classification (germline): Conflicting classifications of pathogenicity. Review status: criteria provided, conflicting classifications (1 of 4 stars). 2 submissions from 2 submitters: Uncertain significance (1); Likely benign (1). Last evaluated 2025-08-01.

Allele frequency attached by ClinVar (database versions not stated): ESP Exome Variant Server 0.00008; gnomAD 0.00016 and 0.00018; TOPMed 0.00016; gnomAD exomes 0.00021 and 0.00025; ExAC 0.00031.
gnomAD v4.1: 399 of 1,602,460 alleles (0.025%); highest among the groups gnomAD compares: Middle Eastern, 0.033%; no homozygotes.

Submissions (2):

CeGaT Center for Human Genetics Tuebingen
Classification: Uncertain significance. Last evaluated: 2025-08-01. Review status: criteria provided, single submitter. Criteria: CeGaT Center For Human Genetics Tuebingen Variant Classification Criteria Version 2. Collection method: clinical testing. Allele origin: germline. Affected: yes. Observed: 1 variant allele.
Comment: SLC9A1: PM2, BP4

Labcorp Genetics (formerly Invitae), Labcorp
Classification: Likely benign. Last evaluated: 2025-04-14. Review status: criteria provided, single submitter. Criteria: Invitae Variant Classification Sherloc (09022015). Collection method: clinical testing. Allele origin: germline.

NM_003047.5(SLC9A1):c.353-5C>T

Gene: SLC9A1 (solute carrier family 9 member A1; minus strand). Cytogenetic location: 1p36.11.
Variant type: single nucleotide variant.
Coding change: c.353-5C>T on transcript NM_003047.5 (MANE Select); 5 bases into the intron before coding-DNA position 353, C replaced by T.
Molecular consequence: intron variant.
Genome position (GRCh38, 1-based): chr1:27,114,291, G>A on the plus strand (C>T on the coding strand, the complement: SLC9A1 is on the minus strand). VCF-style: chr1-27114291-G-A. GRCh37 (hg19) VCF-style: chr1-27440782-G-A.
Identifiers: ClinVar variation 771110 (VCV000771110.16), dbSNP rs371465891, ClinGen allele CA711332.
Genomic context (GRCh38, chr1:27,114,291, plus strand): 5'-GATCAGCAGGCAGCTCTCCGGGACGATGCTTGAGATAGTGGGGATCACATGGAAACCTGC[G>A]GAGGGCGAGAGAACGGGAGGCCATGGGCTTTCGGAGGAGCCAGGAGAATAGAAGGTTGGG-3'